The following is an entry in ClinVar:

NM_001378454.1(ALMS1):c.10420C>T (p.Arg3474Cys)

Gene: ALMS1 (ALMS1 centrosome and basal body associated protein; plus strand). Cytogenetic location: 2p13.1.
Variant type: single nucleotide variant.
Coding change: c.10420C>T on transcript NM_001378454.1 (MANE Select); coding-DNA position 10420, C replaced by T.
Protein change: p.Arg3474Cys; replaces arginine 3474 with cysteine.
Molecular consequence: missense variant.
Genome position (GRCh38, 1-based): chr2:73,572,297, C>T. VCF-style: chr2-73572297-C-T. GRCh37 (hg19) VCF-style: chr2-73799424-C-T.
Other names: c.10423C>T, p.Arg3475Cys (NM_015120.4); short protein forms R3474C, R3475C.
Identifiers: ClinVar variation 1212852 (VCV001212852.13), dbSNP rs759337193, ClinGen allele CA1715000.

ClinVar aggregate classification (germline): Uncertain significance. Review status: criteria provided, multiple submitters, no conflicts (2 of 4 stars). 6 submissions from 6 submitters: Uncertain significance (5). 1 of the submissions does not count toward it. Last evaluated 2023-06-12.

Conditions:
Cardiovascular phenotype. Identifiers: MedGen CN230736.
Alstrom syndrome (ALMS). Identifiers: Orphanet 64, MedGen C0268425, MONDO:0008763, OMIM 203800.

Allele frequency attached by ClinVar (database versions not stated): gnomAD 0.00001; ExAC 0.00002; TOPMed 0.00002; gnomAD exomes 0.00004.
gnomAD v4.1: 41 of 1,607,850 alleles (0.0025%); highest among the groups gnomAD compares: South Asian, 0.0045%; no homozygotes.

Submissions (6):

Blueprint Genetics
Classification: Uncertain significance. Last evaluated: 2023-06-12. Review status: criteria provided, single submitter. Criteria: ACMG Guidelines, 2015. Collection method: clinical testing. Allele origin: germline.

Ambry Genetics
Classification: Uncertain significance for Cardiovascular phenotype. Last evaluated: 2022-12-15. Review status: criteria provided, single submitter. Criteria: Ambry Variant Classification Scheme 2023. Collection method: clinical testing. Allele origin: germline.
Comment: The p.R3475C variant (also known as c.10423C>T), located in coding exon 16 of the ALMS1 gene, results from a C to T substitution at nucleotide position 10423. The arginine at codon 3475 is replaced by cysteine, an amino acid with highly dissimilar properties. This amino acid position is poorly conserved in available vertebrate species. In addition, the in silico prediction for this alteration is inconclusive. Since supporting evidence is limited at this time, the clinical significance of this alteration remains unclear.

GeneDx
Classification: Uncertain significance. Last evaluated: 2022-06-10. Review status: criteria provided, single submitter. Criteria: GeneDx Variant Classification Process June 2021. Collection method: clinical testing. Allele origin: germline. Affected: yes.
Comment: Not observed at significant frequency in large population cohorts (gnomAD); In silico analysis supports that this missense variant does not alter protein structure/function; Has not been previously published as pathogenic or benign to our knowledge

Fulgent Genetics
Classification: Uncertain significance for Alstrom syndrome. Last evaluated: 2022-05-11. Review status: criteria provided, single submitter. Criteria: ACMG Guidelines, 2015. Collection method: clinical testing. Allele origin: unknown.

Labcorp Genetics (formerly Invitae), Labcorp
Classification: Uncertain significance for Alstrom syndrome. Last evaluated: 2022-05-01. Review status: criteria provided, single submitter. Criteria: Invitae Variant Classification Sherloc (09022015). Collection method: clinical testing. Allele origin: germline.
Comment: This sequence change replaces arginine, which is basic and polar, with cysteine, which is neutral and slightly polar, at codon 3475 of the ALMS1 protein (p.Arg3475Cys). This variant is present in population databases (rs759337193, gnomAD 0.007%). This variant has not been reported in the literature in individuals affected with ALMS1-related conditions. ClinVar contains an entry for this variant (Variation ID: 1212852). Experimental studies and prediction algorithms are not available or were not evaluated, and the functional significance of this variant is currently unknown. In summary, the available evidence is currently insufficient to determine the role of this variant in disease. Therefore, it has been classified as a Variant of Uncertain Significance.

Natera, Inc.
Classification: Uncertain significance for Alstrom syndrome. Last evaluated: 2020-07-30. Review status: no assertion criteria provided. Collection method: clinical testing. Allele origin: germline. Not counted in ClinVar's aggregate classification.